The following is an entry in ClinVar:

NM_000169.3(GLA):c.217G>T (p.Ala73Ser)

Genes: GLA (galactosidase alpha; minus strand), RPL36A-HNRNPH2 (RPL36A-HNRNPH2 readthrough; plus strand). Cytogenetic location: Xq22.1.
Variant type: single nucleotide variant.
Coding change: c.217G>T on transcript NM_000169.3 (MANE Select); coding-DNA position 217, G replaced by T.
Protein change: p.Ala73Ser; replaces alanine 73 with serine.
Molecular consequence: missense variant. On other transcripts: non-coding transcript variant (3), intron variant (2).
Genome position (GRCh38, 1-based): chrX:101,403,963, C>A on the plus strand (G>T on the coding strand, the complement: GLA is on the minus strand). VCF-style: chrX-101403963-C-A. GRCh37 (hg19) VCF-style: chrX-100658951-C-A.
Other names: c.340G>T, p.Ala114Ser (NM_001406747.1, NM_001406749.1); c.217G>T, p.Ala73Ser (NM_001406748.1); c.301-7973C>A (NM_001199973.2); c.178-7973C>A (NM_001199974.2); short protein forms A114S, A73S.
Identifiers: ClinVar variation 4087307 (VCV004087307.2).

ClinVar aggregate classification (germline): Uncertain significance (1 of 4 stars; one submission).

Conditions:
Fabry disease. Also called: ALPHA-GALACTOSIDASE A DEFICIENCY; ANDERSON-FABRY DISEASE; CERAMIDE TRIHEXOSIDASE DEFICIENCY; GLA DEFICIENCY; HEREDITARY DYSTOPIC LIPIDOSIS; Angiokeratoma corporis diffusum. Identifiers: Orphanet 324, MedGen C0002986, MONDO:0010526, OMIM 301500, HP:0001071. Disease mechanism: Fabry disease is due to inactivating mutations in the X-linked GLA gene resulting in deficiency of the enzyme Alpha Galactosidase-A., loss of function.

Submission:

Genomenon, Inc
Classification: Uncertain significance for Fabry disease. Last evaluated: 2026-09-08. Review status: criteria provided, single submitter. Criteria: Genomenon Sequence Variant Interpretation Standards - Updated. Collection method: curation. Allele origin: germline. Affected: no.
Comment: GLA p.Ala73Ser (c.217G>T) is a missense variant that changes the amino acid at codon 73 from Alanine to Serine. This variant has been reported in the published literature (PMID:32531501). It is absent or not present at a significant frequency in gnomAD. In silico models predict that this variant is possibly or probably damaging. In conclusion, we classify GLA p.Ala73Ser (c.217G>T) as a variant of uncertain significance.

Literature cited by the submitters: PubMed 32531501.